The following is an entry in ClinVar:

NM_000059.4(BRCA2):c.6531dup (p.His2178fs)

Gene: BRCA2 (BRCA2 DNA repair associated; plus strand). Cytogenetic location: 13q13.1.
Variant type: Duplication.
Coding change: c.6531dup on transcript NM_000059.4 (MANE Select); coding-DNA position 6531, one base duplicated (T; older notation c.6531dupT).
Protein change: p.His2178fs; shifts the reading frame from histidine 2178.
Molecular consequence: frameshift variant.
Genome position (GRCh38, 1-based): chr13:32,340,886, T duplicated; the last of 2 consecutive T bases (chr13:32,340,885-32,340,886); duplicating either gives the same sequence. VCF-style (leftmost placement, unchanged base first): chr13-32340884-A-AT. GRCh37 (hg19) VCF-style: chr13-32915021-A-AT.
Other names: 6759insT; c.6531dupT (NM_000059.3); short protein forms H2178fs.
Identifiers: ClinVar variation 266958 (VCV000266958.23), dbSNP rs886040664, ClinGen allele CA10589387.

ClinVar aggregate classification (germline): Pathogenic. Review status: reviewed by expert panel (3 of 4 stars). 8 submissions from 8 submitters: Pathogenic (1). 7 of the submissions do not count toward it. Last evaluated 2016-10-18.

Conditions:
Familial cancer of breast. Also called: hereditary breast carcinoma; BREAST CANCER, FAMILIAL; Hereditary breast cancer. Identifiers: Orphanet 227535, MedGen C0346153, MONDO:0016419, OMIM 114480. Disease mechanism: loss of function.
Breast-ovarian cancer, familial, susceptibility to, 2 (BROVCA2). Also called: BRCA2 Hereditary Breast and Ovarian Cancer. Identifiers: Orphanet 145, MedGen C2675520, MONDO:0012933, OMIM 612555. Disease mechanism: loss of function.
Hereditary cancer-predisposing syndrome. Also called: Hereditary neoplastic syndrome; Neoplastic Syndromes, Hereditary; Tumor predisposition; Hereditary Cancer Syndrome. Identifiers: Orphanet 140162, MedGen C0027672, MeSH D009386, MONDO:0015356.
Hereditary breast ovarian cancer syndrome. Also called: BRCA1- and BRCA2-Associated Hereditary Breast and Ovarian Cancer; Hereditary breast and ovarian cancer; Breast and ovarian cancer; Hereditary breast and/or ovarian cancer syndrome; Hereditary breast and ovarian cancer syndrome; Hereditary breast and ovarian cancer syndrome (HBOC). Identifiers: Orphanet 145, MedGen C0677776, MeSH D061325, MONDO:0003582. Disease mechanism: loss of function.

Submissions (8):

Evidence-based Network for the Interpretation of Germline Mutant Alleles (ENIGMA)
Classification: Pathogenic for Breast-ovarian cancer, familial, susceptibility to, 2. Last evaluated: 2016-10-18. Review status: reviewed by expert panel. Criteria: ENIGMA BRCA1/2 Classification Criteria (2015). Collection method: curation. Allele origin: germline.
Comment: Variant allele predicted to encode a truncated non-functional protein.

Quest Diagnostics Nichols Institute San Juan Capistrano
Classification: Pathogenic. Last evaluated: 2025-05-06. Review status: criteria provided, single submitter. Criteria: Quest Diagnostics criteria. Collection method: clinical testing. Allele origin: unknown. Not counted in ClinVar's aggregate classification.
Comment: The c.6531dup (p.His2178Serfs*11) variant alters the translational reading frame of the BRCA2 mRNA and causes the premature termination of BRCA2 protein synthesis. This variant has been reported in the published literature in a Hereditary Breast and Ovarian Cancer family (PMID: 24156927 (2014)) and families of BRCA1/2 variant carriers (PMID: 29446198 (2018)). This variant has not been reported in large, multi-ethnic general populations (Genome Aggregation Database). Based on the available information, this variant is classified as pathogenic.

Ambry Genetics
Classification: Pathogenic for Hereditary cancer-predisposing syndrome. Last evaluated: 2024-05-03. Review status: criteria provided, single submitter. Criteria: Ambry Variant Classification Scheme 2023. Collection method: clinical testing. Allele origin: germline. Not counted in ClinVar's aggregate classification.
Comment: The c.6531dupT pathogenic mutation, located in coding exon 10 of the BRCA2 gene, results from a duplication of T at nucleotide position 6531, causing a translational frameshift with a predicted alternate stop codon (p.H2178Sfs*11). This pathogenic mutation has been reported in one Hereditary Breast and Ovarian Cancer family in the literature (Tea MK et al. Maturitas, 2014 Jan;77:68-72). This variant is considered to be rare based on population cohorts in the Genome Aggregation Database (gnomAD). This alteration is expected to result in loss of function by premature protein truncation or nonsense-mediated mRNA decay. As such, this alteration is interpreted as a disease-causing mutation.

Labcorp Genetics (formerly Invitae), Labcorp
Classification: Pathogenic for Hereditary breast ovarian cancer syndrome. Last evaluated: 2024-04-09. Review status: criteria provided, single submitter. Criteria: Invitae Variant Classification Sherloc (09022015). Collection method: clinical testing. Allele origin: germline. Not counted in ClinVar's aggregate classification.
Comment: This sequence change creates a premature translational stop signal (p.His2178Serfs*11) in the BRCA2 gene. It is expected to result in an absent or disrupted protein product. Loss-of-function variants in BRCA2 are known to be pathogenic (PMID: 20104584). This variant is not present in population databases (gnomAD no frequency). This premature translational stop signal has been observed in individual(s) with personal and/or family history of breast and/or ovarian cancer (PMID: 24156927). ClinVar contains an entry for this variant (Variation ID: 266958). For these reasons, this variant has been classified as Pathogenic.

Baylor Genetics
Classification: Pathogenic for Familial cancer of breast. Last evaluated: 2022-02-02. Review status: criteria provided, single submitter. Criteria: ACMG Guidelines, 2015. Collection method: clinical testing. Allele origin: unknown. Not counted in ClinVar's aggregate classification.

Color Diagnostics, LLC DBA Color Health
Classification: Pathogenic for Hereditary cancer-predisposing syndrome. Last evaluated: 2020-01-15. Review status: criteria provided, single submitter. Criteria: ACMG Guidelines, 2015. Collection method: clinical testing. Allele origin: germline. Not counted in ClinVar's aggregate classification.
Comment: This variant inserts 1 nucleotide in exon 11 of the BRCA2 gene, creating a frameshift and premature translation stop signal. This variant is expected to result in an absent or non-functional protein product. This variant has not been identified in the general population by the Genome Aggregation Database (gnomAD). Loss of BRCA2 function is a known mechanism of disease. Based on the available evidence, this variant is classified as Pathogenic.

Women's Health and Genetics/Laboratory Corporation of America, LabCorp
Classification: Pathogenic for Hereditary breast and ovarian cancer syndrome. Last evaluated: 2019-03-15. Review status: criteria provided, single submitter. Criteria: LabCorp Variant Classification Summary - May 2015. Collection method: clinical testing. Allele origin: germline. Not counted in ClinVar's aggregate classification.
Comment: Variant summary: BRCA2 c.6531dupT (p.His2178SerfsX11) results in a premature termination codon, predicted to cause a truncation of the encoded protein or absence of the protein due to nonsense mediated decay, which are commonly known mechanisms for disease. The variant was absent in 238302 control chromosomes (gnomAD). c.6531dupT has been reported in the literature in individuals with a personal and/or family history of Hereditary Breast and Ovarian Cancer (Rebbeck_2018, Tea_2014). These data indicate that the variant is likely to be associated with disease. To our knowledge, no experimental evidence demonstrating an impact on protein function has been reported. Four ClinVar submissions from clinical diagnostic laboratories and reputable databases (evaluation after 2014) cite the variant as pathogenic. Based on the evidence outlined above, the variant was classified as pathogenic.

Consortium of Investigators of Modifiers of BRCA1/2 (CIMBA), c/o University of Cambridge
Classification: Pathogenic for Breast-ovarian cancer, familial, susceptibility to, 2. Last evaluated: 2015-10-02. Review status: criteria provided, single submitter. Criteria: CIMBA Mutation Classification guidelines May 2016. Collection method: clinical testing. Allele origin: germline. Not counted in ClinVar's aggregate classification.

Literature cited by the submitters: PubMed 24156927 (cited by 4 submitters); PubMed 29446198 (cited by Quest Diagnostics Nichols Institute San Juan Capistrano and Women's Health and Genetics/Laboratory Corporation of America, LabCorp); PubMed 20104584 (cited by Labcorp Genetics (formerly Invitae), Labcorp).